The following is an entry in ClinVar:

NM_182919.4(TICAM1):c.1616T>C (p.Met539Thr)

Gene: TICAM1 (TIR domain containing adaptor molecule 1; minus strand). Cytogenetic location: 19p13.3.
Variant type: single nucleotide variant.
Coding change: c.1616T>C on transcript NM_182919.4 (MANE Select); coding-DNA position 1616, T replaced by C.
Protein change: p.Met539Thr; replaces methionine 539 with threonine.
Molecular consequence: missense variant.
Genome position (GRCh38, 1-based): chr19:4,816,762, A>G on the plus strand (T>C on the coding strand, the complement: TICAM1 is on the minus strand). VCF-style: chr19-4816762-A-G. GRCh37 (hg19) VCF-style: chr19-4816774-A-G.
Other names: c.1574T>C, p.Met525Thr (NM_001385678.1); c.1481T>C, p.Met494Thr (NM_001385679.1); c.974T>C, p.Met325Thr (NM_001385680.1); short protein forms M494T, M539T, M325T, M525T.
Identifiers: ClinVar variation 1918413 (VCV001918413.5), dbSNP rs377509189, ClinGen allele CA304547251.

ClinVar aggregate classification (germline): Uncertain significance (1 of 4 stars; one submission).

Conditions:
Encephalopathy, acute, infection-induced (herpes-specific), susceptibility to, 6. Also called: Herpes simplex encephalitis, susceptibility to, 4. Identifiers: Orphanet 1930, MedGen C3553869, MONDO:0013921, OMIM 614850.

Submission:

Labcorp Genetics (formerly Invitae), Labcorp
Classification: Uncertain significance for Encephalopathy, acute, infection-induced (herpes-specific), susceptibility to, 6. Last evaluated: 2022-08-09. Review status: criteria provided, single submitter. Criteria: Invitae Variant Classification Sherloc (09022015). Collection method: clinical testing. Allele origin: germline.
Comment: In summary, the available evidence is currently insufficient to determine the role of this variant in disease. Therefore, it has been classified as a Variant of Uncertain Significance. Algorithms developed to predict the effect of missense changes on protein structure and function output the following: SIFT: "Tolerated"; PolyPhen-2: "Benign"; Align-GVGD: "Class C0". The threonine amino acid residue is found in multiple mammalian species, which suggests that this missense change does not adversely affect protein function. This variant has not been reported in the literature in individuals affected with TICAM1-related conditions. This variant is present in population databases (rs377509189, gnomAD 0.006%). This sequence change replaces methionine, which is neutral and non-polar, with threonine, which is neutral and polar, at codon 539 of the TICAM1 protein (p.Met539Thr).